The following is an entry in ClinVar:

ClinVar aggregate classification (germline): Pathogenic (1 of 4 stars; one submission).

Conditions:
Spastic paraplegia. Identifiers: MedGen C0037772, HP:0001258.

Submission:

Labcorp Genetics (formerly Invitae), Labcorp
Classification: Pathogenic for Spastic paraplegia. Last evaluated: 2022-04-16. Review status: criteria provided, single submitter. Criteria: Invitae Variant Classification Sherloc (09022015). Collection method: clinical testing. Allele origin: germline.
Comment: For these reasons, this variant has been classified as Pathogenic. This variant disrupts a region of the SACS protein in which other variant(s) (p.Asn4549Asp) have been determined to be pathogenic (PMID: 15156359, 21507954). This suggests that this is a clinically significant region of the protein, and that variants that disrupt it are likely to be disease-causing. This variant has not been reported in the literature in individuals affected with SACS-related conditions. This variant is not present in population databases (gnomAD no frequency). This sequence change creates a premature translational stop signal (p.Glu2751Lysfs*2) in the SACS gene. While this is not anticipated to result in nonsense mediated decay, it is expected to disrupt the last 1829 amino acid(s) of the SACS protein.

Literature cited by the submitters: PubMed 15156359; PubMed 21507954.

NM_014363.6(SACS):c.8251del (p.Glu2751fs)

Gene: SACS (sacsin molecular chaperone; minus strand). Cytogenetic location: 13q12.12.
Variant type: Deletion.
Coding change: c.8251del on transcript NM_014363.6 (MANE Select); coding-DNA position 8251, one base deleted (G; older notation c.8251delG).
Protein change: p.Glu2751fs; shifts the reading frame from glutamic acid 2751.
Molecular consequence: frameshift variant.
Genome position (GRCh38, 1-based): chr13:23,335,625, C deleted on the plus strand (G on the coding strand, the reverse complement: SACS is on the minus strand). VCF-style (leftmost placement, unchanged base first): chr13-23335624-TC-T. GRCh37 (hg19) VCF-style: chr13-23909763-TC-T.
Other names: c.7810del, p.Glu2604fs (NM_001278055.2); short protein forms E2604fs, E2751fs.
Identifiers: ClinVar variation 2197923 (VCV002197923.4), dbSNP rs2542220739, ClinGen allele CA2580086903.